The following is an entry in ClinVar:

ClinVar aggregate classification (germline): Pathogenic (1 of 4 stars; one submission).

Conditions:
Familial thoracic aortic aneurysm and aortic dissection (TAAD). Also called: Thoracic aortic aneurysms and dissections. Identifiers: Orphanet 91387, MedGen C4707243, MONDO:0019625.
Marfan syndrome (MFS). Also called: FBN1-Related Marfan Syndrome; Marfan syndrome type 1; Marfan's syndrome; Marfan syndrome, classic; MARFAN SYNDROME, TYPE I. Identifiers: Orphanet 284963, Orphanet 558, MedGen C0024796, MONDO:0007947, OMIM 154700.

Submission:

Labcorp Genetics (formerly Invitae), Labcorp
Classification: Pathogenic for Marfan syndrome; Familial thoracic aortic aneurysm and aortic dissection. Last evaluated: 2018-12-17. Review status: criteria provided, single submitter. Criteria: Invitae Variant Classification Sherloc (09022015). Collection method: clinical testing. Allele origin: germline.
Comment: For these reasons, this variant has been classified as Pathogenic. This variant disrupts the p.Gly2195 amino acid residue in FBN1. Other variant(s) that disrupt this residue have been observed in affected individuals (PMID: 17657824, 19293843, Invitae), which suggests that this may be a clinically significant amino acid residue. Algorithms developed to predict the effect of sequence changes on RNA splicing suggest that this variant may create or strengthen a splice site, but this prediction has not been confirmed by published transcriptional studies. Algorithms developed to predict the effect of missense changes on protein structure and function are either unavailable or do not agree on the potential impact of this missense change (SIFT: "Deleterious"; PolyPhen-2: "Probably Damaging"; Align-GVGD: "Class C0"). This variant has been observed to be de novo in an individual with Marfan syndrome (Invitae). This variant is not present in population databases (ExAC no frequency). This sequence change replaces glycine with valine at codon 2195 of the FBN1 protein (p.Gly2195Val). The glycine residue is moderately conserved and there is a moderate physicochemical difference between glycine and valine.

Literature cited by the submitters: PubMed 17657824; PubMed 19293843.

NM_000138.5(FBN1):c.6584G>T (p.Gly2195Val)

Gene: FBN1 (fibrillin 1; minus strand). Cytogenetic location: 15q21.1.
Variant type: single nucleotide variant.
Coding change: c.6584G>T on transcript NM_000138.5 (MANE Select); coding-DNA position 6584, G replaced by T.
Protein change: p.Gly2195Val; replaces glycine 2195 with valine.
Molecular consequence: missense variant.
Genome position (GRCh38, 1-based): chr15:48,434,626, C>A on the plus strand (G>T on the coding strand, the complement: FBN1 is on the minus strand). VCF-style: chr15-48434626-C-A. GRCh37 (hg19) VCF-style: chr15-48726823-C-A.
Other names: short protein forms G2195V.
Identifiers: ClinVar variation 647088 (VCV000647088.8), dbSNP rs1597523768, ClinGen allele CA392334787.